The following is an entry in ClinVar:

ClinVar aggregate classification (germline): Pathogenic (1 of 4 stars; one submission).

Conditions:
Familial hypobetalipoproteinemia 1. Also called: APOB-Related Familial Hypobetalipoproteinemia; Hypobetalipoproteinemia, normotriglyceridemic; Acanthocytosis with hypobetalipoproteinemia. Identifiers: MedGen C4551990, MONDO:0014252, OMIM 615558.
Hypercholesterolemia, autosomal dominant, type B (FHCL2). Also called: Familial Hypercholesterolemia Type B; APOLIPOPROTEIN B-100, FAMILIAL DEFECTIVE; APOLIPOPROTEIN B-100, FAMILIAL LIGAND-DEFECTIVE; HYPERCHOLESTEROLEMIA, FAMILIAL, DUE TO LIGAND-DEFECTIVE APOLIPOPROTEIN B; Hyperlipoproteinemia Type IIb; Familial hypercholesterolemia 2. Identifiers: MedGen C1704417, MONDO:0007751, OMIM 144010.

Submission:

Labcorp Genetics (formerly Invitae), Labcorp
Classification: Pathogenic for Familial hypobetalipoproteinemia 1; Hypercholesterolemia, autosomal dominant, type B. Last evaluated: 2023-04-20. Review status: criteria provided, single submitter. Criteria: Invitae Variant Classification Sherloc (09022015). Collection method: clinical testing. Allele origin: germline.
Comment: This variant is not present in population databases (gnomAD no frequency). This sequence change creates a premature translational stop signal (p.Pro1299Leufs*12) in the APOB gene. It is expected to result in an absent or disrupted protein product. Loss-of-function variants in APOB are known to be pathogenic (PMID: 20032471). This variant has not been reported in the literature in individuals affected with APOB-related conditions. For these reasons, this variant has been classified as Pathogenic.

Literature cited by the submitters: PubMed 20032471.

NM_000384.3(APOB):c.3896del (p.Pro1299fs)

Gene: APOB (apolipoprotein B; minus strand). Cytogenetic location: 2p24.1.
Variant type: Deletion.
Coding change: c.3896del on transcript NM_000384.3 (MANE Select); coding-DNA position 3896, one base deleted (C; older notation c.3896delC).
Protein change: p.Pro1299fs; shifts the reading frame from proline 1299.
Molecular consequence: frameshift variant.
Genome position (GRCh38, 1-based): chr2:21,013,480, G deleted on the plus strand (C on the coding strand, the reverse complement: APOB is on the minus strand); the first of 2 consecutive G bases (chr2:21,013,480-21,013,481); deleting either gives the same sequence. VCF-style (leftmost placement, unchanged base first): chr2-21013479-AG-A. GRCh37 (hg19) VCF-style: chr2-21236351-AG-A.
Other names: short protein forms P1299fs.
Identifiers: ClinVar variation 2936678 (VCV002936678.3), dbSNP rs2465381618, ClinGen allele CA2740092689.